The following is an entry in ClinVar:

NM_025179.4(PLXNA2):c.1634A>G (p.Gln545Arg)

Gene: PLXNA2 (plexin A2; minus strand). Cytogenetic location: 1q32.2.
Variant type: single nucleotide variant.
Coding change: c.1634A>G on transcript NM_025179.4 (MANE Select); coding-DNA position 1634, A replaced by G.
Protein change: p.Gln545Arg; replaces glutamine 545 with arginine.
Molecular consequence: missense variant.
Genome position (GRCh38, 1-based): chr1:208,098,943, T>C on the plus strand (A>G on the coding strand, the complement: PLXNA2 is on the minus strand). VCF-style: chr1-208098943-T-C. GRCh37 (hg19) VCF-style: chr1-208272288-T-C.
Other names: short protein forms Q545R.
Identifiers: ClinVar variation 2421259 (VCV002421259.6), dbSNP rs1323698055, ClinGen allele CA344557467.

ClinVar aggregate classification (germline): Uncertain significance (1 of 4 stars; one submission).

Allele frequency attached by ClinVar (database versions not stated): gnomAD exomes below 0.00001; gnomAD 0.00001; TOPMed 0.00002.

Submission:

Labcorp Genetics (formerly Invitae), Labcorp
Classification: Uncertain significance. Last evaluated: 2024-12-09. Review status: criteria provided, single submitter. Criteria: Invitae Variant Classification Sherloc (09022015). Collection method: clinical testing. Allele origin: germline.
Comment: This sequence change replaces glutamine, which is neutral and polar, with arginine, which is basic and polar, at codon 545 of the PLXNA2 protein (p.Gln545Arg). This variant is not present in population databases (gnomAD no frequency). This variant has not been reported in the literature in individuals affected with PLXNA2-related conditions. ClinVar contains an entry for this variant (Variation ID: 2421259). Invitae Evidence Modeling of protein sequence and biophysical properties (such as structural, functional, and spatial information, amino acid conservation, physicochemical variation, residue mobility, and thermodynamic stability) indicates that this missense variant is not expected to disrupt PLXNA2 protein function with a negative predictive value of 80%. In summary, the available evidence is currently insufficient to determine the role of this variant in disease. Therefore, it has been classified as a Variant of Uncertain Significance.